The following is an entry in ClinVar:

ClinVar aggregate classification (germline): Uncertain significance (1 of 4 stars; one submission).

gnomAD v4.1: 3 of 1,612,970 alleles (0.00019%); highest among the groups gnomAD compares: Admixed American, 0.005%; no homozygotes.

Submission:

Labcorp Genetics (formerly Invitae), Labcorp
Classification: Uncertain significance. Last evaluated: 2025-09-02. Review status: criteria provided, single submitter. Criteria: Invitae Variant Classification Sherloc (09022015). Collection method: clinical testing. Allele origin: germline.
Comment: This sequence change replaces serine, which is neutral and polar, with tyrosine, which is neutral and polar, at codon 473 of the PTH1R protein (p.Ser473Tyr). This variant is present in population databases (no rsID available, gnomAD 0.006%). This variant has not been reported in the literature in individuals affected with PTH1R-related conditions. Invitae Evidence Modeling of protein sequence and biophysical properties (such as structural, functional, and spatial information, amino acid conservation, physicochemical variation, residue mobility, and thermodynamic stability) indicates that this missense variant is not expected to disrupt PTH1R protein function with a negative predictive value of 80%. In summary, the available evidence is currently insufficient to determine the role of this variant in disease. Therefore, it has been classified as a Variant of Uncertain Significance.

NM_000316.3(PTH1R):c.1418C>A (p.Ser473Tyr)

Gene: PTH1R (parathyroid hormone 1 receptor; plus strand). Cytogenetic location: 3p21.31.
Variant type: single nucleotide variant.
Coding change: c.1418C>A on transcript NM_000316.3 (MANE Select); coding-DNA position 1418, C replaced by A.
Protein change: p.Ser473Tyr; replaces serine 473 with tyrosine.
Molecular consequence: missense variant.
Genome position (GRCh38, 1-based): chr3:46,903,292, C>A. VCF-style: chr3-46903292-C-A. GRCh37 (hg19) VCF-style: chr3-46944782-C-A.
Other names: c.1418C>A, p.Ser473Tyr (NM_001184744.1); short protein forms S473Y.
Identifiers: ClinVar variation 4703935 (VCV004703935.1).